The following is an entry in ClinVar:

NM_001042492.3(NF1):c.6410C>A (p.Ser2137Ter)

Gene: NF1 (neurofibromin 1; plus strand). Cytogenetic location: 17q11.2.
Variant type: single nucleotide variant.
Coding change: c.6410C>A on transcript NM_001042492.3 (MANE Select); coding-DNA position 6410, C replaced by A.
Protein change: p.Ser2137Ter; replaces serine 2137 with a stop codon.
Molecular consequence: nonsense.
Genome position (GRCh38, 1-based): chr17:31,336,897, C>A. VCF-style: chr17-31336897-C-A. GRCh37 (hg19) VCF-style: chr17-29663915-C-A.
Other names: c.6347C>A, p.Ser2116Ter (NM_000267.4); short protein forms S2116*, S2137*.
Identifiers: ClinVar variation 838504 (VCV000838504.2), dbSNP rs2069691055, ClinGen allele CA399012931.
Genomic context (GRCh38, chr17:31,336,897, plus strand): 5'-CCCTTAGAGCTTCCACACATGGACTGGTCATTAATATCATTCACTCTCTGTGTACTTGTT[C>A]ACAGCTTCATTTTAGTGGTAAGTTCTAGGAAAGGAATTTGTGTTTACCAGTTCCTTTCTC-3'

ClinVar aggregate classification (germline): Pathogenic (1 of 4 stars; one submission).

Conditions:
Neurofibromatosis, type 1 (NF1). Also called: Peripheral type neurofibromatosis; Neurofibromatosis, type I; VON RECKLINGHAUSEN DISEASE; NEUROFIBROMATOSIS, TYPE I, SOMATIC. Identifiers: Orphanet 636, MedGen C0027831, MONDO:0018975, OMIM 162200. Disease mechanism: loss of function.

Submission:

Labcorp Genetics (formerly Invitae), Labcorp
Classification: Pathogenic for Neurofibromatosis, type 1. Last evaluated: 2019-05-02. Review status: criteria provided, single submitter. Criteria: Invitae Variant Classification Sherloc (09022015). Collection method: clinical testing. Allele origin: germline.
Comment: This sequence change creates a premature translational stop signal (p.Ser2116*) in the NF1 gene. It is expected to result in an absent or disrupted protein product. This variant is not present in population databases (ExAC no frequency). This variant has not been reported in the literature in individuals with NF1-related conditions. Loss-of-function variants in NF1 are known to be pathogenic (PMID: 10712197, 23913538). For these reasons, this variant has been classified as Pathogenic.

Literature cited by the submitters: PubMed 10712197; PubMed 23913538.